The following is an entry in ClinVar:

GRCh37/hg19 16p13.11-12.3(chr16:15548310-17988303)

Genes: ABCC1 (ATP binding cassette subfamily C member 1 (ABCC1 blood group); plus strand), ABCC6 (ATP binding cassette subfamily C member 6; minus strand), BMERB1 (bMERB domain containing 1; plus strand), CEP20 (centrosomal protein 20; minus strand), MARF1 (meiosis regulator and mRNA stability factor 1; minus strand) and 4 more. Cytogenetic location: 16p13.11-12.3.
Variant type: copy number loss.
Identifiers: ClinVar variation 625575 (VCV000625575.1).

ClinVar aggregate classification (germline): Pathogenic (1 of 4 stars; one submission).

Submission:

Baylor Genetics
Classification: Pathogenic. Last evaluated: 2018-11-01. Review status: criteria provided, single submitter. Criteria: ACMG CNV Guidelines, 2011. Collection method: clinical testing. Allele origin: germline. Affected: yes. Observed: 1 variant allele.
Comment: Deletions involving this region have been previously reported in patients with developmental delay, microcephaly, epilepsy, short stature, facial dysmorphism and behavioral problems [PMID: 23637818, 19843651]